The following is an entry in ClinVar:

ClinVar aggregate classification (germline): Uncertain significance. Review status: criteria provided, multiple submitters, no conflicts (2 of 4 stars). 2 submissions from 2 submitters: Uncertain significance (2). Last evaluated 2025-09-11.

Conditions:
Inborn genetic diseases. Identifiers: MedGen C0950123, MeSH D030342.
Aicardi-Goutieres syndrome 5. Identifiers: Orphanet 51, MedGen C2749659, MONDO:0013059, OMIM 612952.

Allele frequency attached by ClinVar (database versions not stated): gnomAD exomes below 0.00001.
gnomAD v4.1: 1 of 1,613,762 alleles (0.000062%); highest among the groups gnomAD compares: Admixed American, 0.0017%; no homozygotes.

Submissions (2):

Ambry Genetics
Classification: Uncertain significance for Inborn genetic diseases. Last evaluated: 2025-09-11. Review status: criteria provided, single submitter. Criteria: Ambry Variant Classification Scheme 2023. Collection method: clinical testing. Allele origin: germline.

Labcorp Genetics (formerly Invitae), Labcorp
Classification: Uncertain significance for Aicardi-Goutieres syndrome 5. Last evaluated: 2022-06-13. Review status: criteria provided, single submitter. Criteria: Invitae Variant Classification Sherloc (09022015). Collection method: clinical testing. Allele origin: germline.
Comment: In summary, the available evidence is currently insufficient to determine the role of this variant in disease. Therefore, it has been classified as a Variant of Uncertain Significance. Algorithms developed to predict the effect of missense changes on protein structure and function (SIFT, PolyPhen-2, Align-GVGD) all suggest that this variant is likely to be tolerated. This variant has not been reported in the literature in individuals affected with SAMHD1-related conditions. This variant is present in population databases (no rsID available, gnomAD 0.003%). This sequence change replaces serine, which is neutral and polar, with threonine, which is neutral and polar, at codon 6 of the SAMHD1 protein (p.Ser6Thr).

NM_015474.4(SAMHD1):c.16T>A (p.Ser6Thr)

Gene: SAMHD1 (SAM and HD domain containing deoxynucleoside triphosphate triphosphohydrolase 1; minus strand). Cytogenetic location: 20q11.23.
Variant type: single nucleotide variant.
Coding change: c.16T>A on transcript NM_015474.4 (MANE Select); coding-DNA position 16, T replaced by A.
Protein change: p.Ser6Thr; replaces serine 6 with threonine.
Molecular consequence: missense variant.
Genome position (GRCh38, 1-based): chr20:36,951,628, A>T on the plus strand (T>A on the coding strand, the complement: SAMHD1 is on the minus strand). VCF-style: chr20-36951628-A-T. GRCh37 (hg19) VCF-style: chr20-35580031-A-T.
Other names: c.16T>A, p.Ser6Thr (NM_001363729.2, NM_001363733.2); c.16T>A (NM_015474.3); short protein forms S6T.
Identifiers: ClinVar variation 1390547 (VCV001390547.9), dbSNP rs1187125859, ClinGen allele CA408833867.